The following is an entry in ClinVar:

NM_017780.4(CHD7):c.3155G>C (p.Ser1052Thr)

Gene: CHD7 (chromodomain helicase DNA binding protein 7; plus strand). Cytogenetic location: 8q12.2.
Variant type: single nucleotide variant.
Coding change: c.3155G>C on transcript NM_017780.4 (MANE Select); coding-DNA position 3155, G replaced by C.
Protein change: p.Ser1052Thr; replaces serine 1052 with threonine.
Molecular consequence: missense variant. On other transcripts: intron variant (1).
Genome position (GRCh38, 1-based): chr8:60,822,700, G>C. VCF-style: chr8-60822700-G-C. GRCh37 (hg19) VCF-style: chr8-61735259-G-C.
Other names: c.1717-39529G>C (NM_001316690.1); short protein forms S1052T.
Identifiers: ClinVar variation 2909475 (VCV002909475.5), dbSNP rs1020281061, ClinGen allele CA177334797.
Genomic context (GRCh38, chr8:60,822,700, plus strand): 5'-AAAGGGAATTCCGAACCTGGACAGAGTTGAACGTGGTTGTGTATCATGGGAGTCAAGCTA[G>C]TCGTCGGACCATTCAGTTGTATGAAATGTACTTCAAAGATCCCCAGGTAAACCTTCACAG-3'
Protein context (NP_060250.2, residues 1042-1062): NVVVYHGSQA[Ser1052Thr]RRTIQLYEMY

ClinVar aggregate classification (germline): Conflicting classifications of pathogenicity. Review status: criteria provided, conflicting classifications (1 of 4 stars). 3 submissions from 3 submitters: Uncertain significance (2); Likely benign (1). Last evaluated 2024-08-31.

Conditions:
CHARGE syndrome (CHARGE). Also called: Hittner Hirsch Kreh syndrome; CHARGE ASSOCIATION--COLOBOMA, HEART ANOMALY, CHOANAL ATRESIA, RETARDATION, GENITAL AND EAR ANOMALIES; Coloboma, heart anomaly, choanal atresia, retardation, genital and ear anomalies; CHARGE association; Hall-Hittner syndrome. Identifiers: Orphanet 138, MedGen C0265354, MONDO:0008965.
Hypogonadotropic hypogonadism 5 with or without anosmia (KAL5). Also called: CHD7-Related GnRH Deficiency (Kallmann Syndrome 5); HYPOGONADOTROPIC HYPOGONADISM 5 WITH ANOSMIA; HYPOGONADOTROPHIC HYPOGONADISM 5 WITHOUT ANOSMIA. Identifiers: Orphanet 478, MedGen C3552553, MONDO:0012880, OMIM 612370. Disease mechanism: loss of function.

Allele frequency attached by ClinVar (database versions not stated): TOPMed 0.00002; gnomAD 0.00003.
gnomAD v4.1: 5 of 1,613,534 alleles (0.00031%); highest among the groups gnomAD compares: African/African-American, 0.0067%; no homozygotes.

Submissions (3):

Labcorp Genetics (formerly Invitae), Labcorp
Classification: Likely benign for CHARGE syndrome. Last evaluated: 2024-08-31. Review status: criteria provided, single submitter. Criteria: Invitae Variant Classification Sherloc (09022015). Collection method: clinical testing. Allele origin: germline.

GeneDx
Classification: Uncertain significance. Last evaluated: 2024-05-22. Review status: criteria provided, single submitter. Criteria: GeneDx Variant Classification Process June 2021. Collection method: clinical testing. Allele origin: germline. Affected: yes.
Comment: Not observed at significant frequency in large population cohorts (gnomAD); In silico analysis supports that this missense variant has a deleterious effect on protein structure/function; Has not been previously published as pathogenic or benign to our knowledge

Fulgent Genetics
Classification: Uncertain significance for CHD7-related CHARGE syndrome; Hypogonadotropic hypogonadism 5 with or without anosmia. Last evaluated: 2024-01-16. Review status: criteria provided, single submitter. Criteria: ACMG Guidelines, 2015. Collection method: clinical testing. Allele origin: germline.